The following is an entry in ClinVar:

ClinVar aggregate classification (germline): Benign. Review status: criteria provided, multiple submitters, no conflicts (2 of 4 stars). 2 submissions from 2 submitters: Benign (2). Last evaluated 2018-01-13.

Conditions:
Achondrogenesis, type IA (ACG1A). Identifiers: Orphanet 932, Orphanet 93299, MedGen C0265273, MONDO:0008701, OMIM 200600.

Allele frequency attached by ClinVar (database versions not stated): gnomAD exomes 0.00609; gnomAD 0.02207; TOPMed 0.02639; 1000 Genomes Project 30x 0.03529; 1000 Genomes Project 0.03594.
gnomAD v4.1: 3,944 of 202,524 alleles (1.9%); highest among the groups gnomAD compares: African/African-American, 7.3%; 138 homozygotes.

Submissions (2):

Illumina Laboratory Services, Illumina
Classification: Benign for Achondrogenesis, type IA. Last evaluated: 2018-01-13. Review status: criteria provided, single submitter. Criteria: ICSL Variant Classification Criteria 13 December 2019. Collection method: clinical testing. Allele origin: germline.
Comment: This variant was observed in the ICSL laboratory as part of a predisposition screen in an ostensibly healthy population. It had not been previously curated by ICSL or reported in the Human Gene Mutation Database (HGMD: prior to June 1st, 2018), and was therefore a candidate for classification through an automated scoring system. Utilizing variant allele frequency, disease prevalence and penetrance estimates, and inheritance mode, an automated score was calculated to assess if this variant is too frequent to cause the disease. Based on the score and internal cut-off values, a variant classified as benign is not then subjected to further curation. The score for this variant resulted in a classification of benign for this disease.

Breakthrough Genomics
Classification: Benign. Review status: criteria provided, single submitter. Criteria: ACMG Guidelines, 2015. Collection method: not provided. Allele origin: germline. Inheritance: Autosomal recessive inheritance. Affected: yes.

NM_004239.4(TRIP11):c.*1554T>A

Gene: TRIP11 (thyroid hormone receptor interactor 11; minus strand). Cytogenetic location: 14q32.12.
Variant type: single nucleotide variant.
Coding change: c.*1554T>A on transcript NM_004239.4 (MANE Select); 1554 bases downstream of the stop codon, T replaced by A.
Molecular consequence: 3 prime UTR variant.
Genome position (GRCh38, 1-based): chr14:91,968,119, A>T on the plus strand (T>A on the coding strand, the complement: TRIP11 is on the minus strand). VCF-style: chr14-91968119-A-T. GRCh37 (hg19) VCF-style: chr14-92434463-A-T.
Other names: c.*1554T>A (NM_001321851.1).
Identifiers: ClinVar variation 314895 (VCV000314895.6), dbSNP rs11848545, ClinGen allele CA10646560.
Genomic context (GRCh38, chr14:91,968,119, plus strand): 5'-AACATGGAATTAAGACTTCCAGTCTTCCAAATACATTAGAAAGTACAGTTAATCACAGTA[A>T]AACTTGCAAATAACCAAATTTAGTTCTGGCCTCAGCCAGGACTATTCACATATTTGAATT-3'